The following is an entry in ClinVar:

NM_001386795.1(DTNA):c.520G>A (p.Val174Ile)

Gene: DTNA (dystrobrevin alpha; plus strand). Cytogenetic location: 18q12.1.
Variant type: single nucleotide variant.
Coding change: c.520G>A on transcript NM_001386795.1 (MANE Select); coding-DNA position 520, G replaced by A.
Protein change: p.Val174Ile; replaces valine 174 with isoleucine.
Molecular consequence: missense variant.
Genome position (GRCh38, 1-based): chr18:34,812,030, G>A. VCF-style: chr18-34812030-G-A. GRCh37 (hg19) VCF-style: chr18-32391994-G-A.
Other names: c.520G>A, p.Val174Ile (NM_001386758.1, NM_001386759.1, NM_001386760.1 and 35 more transcripts); short protein forms V174I.
Identifiers: ClinVar variation 3624848 (VCV003624848.2).
Genomic context (GRCh38, chr18:34,812,030, plus strand): 5'-ATGATTTCTGACTCCAGTGGGGTGATGGTTTATGGACGATATGACCAATTCCTTCGGGAA[G>A]TTCTCAAACTACCCACGGCAGTTTTTGAAGGTCCTTCATTTGGTTACACAGAACAGTCAG-3'
Protein context (NP_001373724.1, residues 164-184): YGRYDQFLRE[Val174Ile]LKLPTAVFEG

ClinVar aggregate classification (germline): Uncertain significance (1 of 4 stars; one submission).

Conditions:
Left ventricular noncompaction 1 (LVNC1). Also called: LEFT VENTRICULAR NONCOMPACTION 1 WITH OR WITHOUT CONGENITAL HEART DEFECTS. Identifiers: Orphanet 54260, MedGen C1858725, MONDO:0011403, OMIM 604169.

gnomAD v4.1: 7 of 1,614,104 alleles (0.00043%); highest among the groups gnomAD compares: Admixed American, 0.0017%; no homozygotes.

Submission:

Labcorp Genetics (formerly Invitae), Labcorp
Classification: Uncertain significance for Left ventricular noncompaction 1. Last evaluated: 2025-01-19. Review status: criteria provided, single submitter. Criteria: Invitae Variant Classification Sherloc (09022015). Collection method: clinical testing. Allele origin: germline.
Comment: This sequence change replaces valine, which is neutral and non-polar, with isoleucine, which is neutral and non-polar, at codon 174 of the DTNA protein (p.Val174Ile). This variant is present in population databases (rs762538478, gnomAD 0.01%). This variant has not been reported in the literature in individuals affected with DTNA-related conditions. Invitae Evidence Modeling of protein sequence and biophysical properties (such as structural, functional, and spatial information, amino acid conservation, physicochemical variation, residue mobility, and thermodynamic stability) indicates that this missense variant is not expected to disrupt DTNA protein function with a negative predictive value of 80%. In summary, the available evidence is currently insufficient to determine the role of this variant in disease. Therefore, it has been classified as a Variant of Uncertain Significance.